The following is an entry in ClinVar:

ClinVar aggregate classification (germline): Uncertain significance. Review status: criteria provided, multiple submitters, no conflicts (2 of 4 stars). 2 submissions from 2 submitters: Uncertain significance (2). Last evaluated 2025-12-08.

Allele frequency attached by ClinVar (database versions not stated): TOPMed below 0.00001; gnomAD 0.00001; gnomAD exomes 0.00001.
gnomAD v4.1: 4 of 1,613,434 alleles (0.00025%); highest among the groups gnomAD compares: Admixed American, 0.005%; no homozygotes.

Submissions (2):

Ambry Genetics
Classification: Uncertain significance. Last evaluated: 2025-12-08. Review status: criteria provided, single submitter. Criteria: Ambry Variant Classification Scheme 2023. Collection method: clinical testing. Allele origin: germline.

Labcorp Genetics (formerly Invitae), Labcorp
Classification: Uncertain significance. Last evaluated: 2024-09-16. Review status: criteria provided, single submitter. Criteria: Invitae Variant Classification Sherloc (09022015). Collection method: clinical testing. Allele origin: germline.
Comment: This sequence change replaces proline, which is neutral and non-polar, with serine, which is neutral and polar, at codon 378 of the MICAL1 protein (p.Pro378Ser). This variant is present in population databases (no rsID available, gnomAD 0.003%). This variant has not been reported in the literature in individuals affected with MICAL1-related conditions. An algorithm developed to predict the effect of missense changes on protein structure and function (PolyPhen-2) suggests that this variant is likely to be disruptive. In summary, the available evidence is currently insufficient to determine the role of this variant in disease. Therefore, it has been classified as a Variant of Uncertain Significance.

NM_022765.4(MICAL1):c.1075C>T (p.Pro359Ser)

Gene: MICAL1 (microtubule associated monooxygenase, calponin and LIM domain containing 1; minus strand). Cytogenetic location: 6q21.
Variant type: single nucleotide variant.
Coding change: c.1075C>T on transcript NM_022765.4 (MANE Select); coding-DNA position 1075, C replaced by T.
Protein change: p.Pro359Ser; replaces proline 359 with serine.
Molecular consequence: missense variant. On other transcripts: intron variant (1).
Genome position (GRCh38, 1-based): chr6:109,450,416, G>A on the plus strand (C>T on the coding strand, the complement: MICAL1 is on the minus strand). VCF-style: chr6-109450416-G-A. GRCh37 (hg19) VCF-style: chr6-109771619-G-A.
Other names: c.1075C>T (NM_022765.3); c.1132C>T, p.Pro378Ser (NM_001286613.2); c.934-331C>T (NM_001159291.2); short protein forms P378S, P359S.
Identifiers: ClinVar variation 2719172 (VCV002719172.4), dbSNP rs1044721173, ClinGen allele CA365231236.